The following is an entry in ClinVar:

NM_000238.4(KCNH2):c.736G>T (p.Gly246Cys)

Gene: KCNH2 (potassium voltage-gated channel subfamily H member 2; minus strand). Cytogenetic location: 7q36.1.
Variant type: single nucleotide variant.
Coding change: c.736G>T on transcript NM_000238.4 (MANE Select); coding-DNA position 736, G replaced by T.
Protein change: p.Gly246Cys; replaces glycine 246 with cysteine.
Molecular consequence: missense variant.
Genome position (GRCh38, 1-based): chr7:150,958,239, C>A on the plus strand (G>T on the coding strand, the complement: KCNH2 is on the minus strand). VCF-style: chr7-150958239-C-A. GRCh37 (hg19) VCF-style: chr7-150655327-C-A.
Other names: c.448G>T, p.Gly150Cys (NM_001406753.1, NM_001406756.1); c.559G>T, p.Gly187Cys (NM_001406755.1); c.436G>T, p.Gly146Cys (NM_001406757.1); c.736G>T, p.Gly246Cys (NM_172056.3); short protein forms G246C, G187C, G150C, G146C.
Identifiers: ClinVar variation 379687 (VCV000379687.9), dbSNP rs1057520689, ClinGen allele CA16605738.

ClinVar aggregate classification (germline): Conflicting classifications of pathogenicity. Review status: criteria provided, conflicting classifications (1 of 4 stars). 3 submissions from 3 submitters: Uncertain significance (2); Likely benign (1). Last evaluated 2026-01-19.

Conditions:
Cardiovascular phenotype. Identifiers: MedGen CN230736.
Long QT syndrome (LQTS). Identifiers: MedGen C0023976, MeSH D008133, MONDO:0002442. Disease mechanism: loss of function. Inheritance: Various modes of inheritance.

Allele frequency attached by ClinVar (database versions not stated): gnomAD 0.00001; TOPMed 0.00001.
gnomAD v4.1: 2 of 1,401,414 alleles (0.00014%); highest among the groups gnomAD compares: Admixed American, 0.0059%; no homozygotes.

Submissions (3):

Labcorp Genetics (formerly Invitae), Labcorp
Classification: Uncertain significance for Long QT syndrome. Last evaluated: 2026-01-19. Review status: criteria provided, single submitter. Criteria: Invitae Variant Classification Sherloc (09022015). Collection method: clinical testing. Allele origin: germline.
Comment: This sequence change replaces glycine, which is neutral and non-polar, with cysteine, which is neutral and slightly polar, at codon 246 of the KCNH2 protein (p.Gly246Cys). The frequency data for this variant in the population databases is considered unreliable, as metrics indicate poor data quality at this position in the gnomAD database. This variant has not been reported in the literature in individuals affected with KCNH2-related conditions. ClinVar contains an entry for this variant (Variation ID: 379687). An algorithm developed to predict the effect of missense changes on protein structure and function (PolyPhen-2) suggests that this variant is likely to be tolerated. In summary, the available evidence is currently insufficient to determine the role of this variant in disease. Therefore, it has been classified as a Variant of Uncertain Significance.

Ambry Genetics
Classification: Uncertain significance for Cardiovascular phenotype. Last evaluated: 2022-07-01. Review status: criteria provided, single submitter. Criteria: Ambry Variant Classification Scheme 2023. Collection method: clinical testing. Allele origin: germline.
Comment: The p.G246C variant (also known as c.736G>T), located in coding exon 4 of the KCNH2 gene, results from a G to T substitution at nucleotide position 736. The glycine at codon 246 is replaced by cysteine, an amino acid with highly dissimilar properties. This amino acid position is not well conserved in available vertebrate species. In addition, the in silico prediction for this alteration is inconclusive. Since supporting evidence is limited at this time, the clinical significance of this alteration remains unclear.

GeneDx
Classification: Likely benign. Last evaluated: 2015-05-11. Review status: criteria provided, single submitter. Criteria: GeneDx Variant Classification (06012015). Collection method: clinical testing. Allele origin: germline. Affected: yes.
Comment: This variant is considered likely benign or benign based on one or more of the following criteria: it is a conservative change, it occurs at a poorly conserved position in the protein, it is predicted to be benign by multiple in silico algorithms, and/or has population frequency not consistent with disease.